The following is an entry in ClinVar:

ClinVar aggregate classification (germline): Uncertain significance (1 of 4 stars; one submission).

Conditions:
Ehlers-Danlos syndrome, type 4 (EDSVASC). Also called: Ehlers-Danlos syndrome vascular type; Ehlers Danlos syndrome, ecchymotic type; Ehlers Danlos syndrome, arterial type; Ehlers Danlos syndrome, Sack-Barabas type; Ehlers-Danlos Syndrome Type IV. Identifiers: Orphanet 286, MedGen C0268338, MONDO:0017314, OMIM 130050.

Allele frequency attached by ClinVar (database versions not stated): ExAC 0.00001; TOPMed 0.00001.
gnomAD v4.1: 3 of 1,612,284 alleles (0.00019%); highest among the groups gnomAD compares: Admixed American, 0.005%; no homozygotes.

Submission:

Labcorp Genetics (formerly Invitae), Labcorp
Classification: Uncertain significance for Ehlers-Danlos syndrome, type 4. Last evaluated: 2025-08-30. Review status: criteria provided, single submitter. Criteria: Invitae Variant Classification Sherloc (09022015). Collection method: clinical testing. Allele origin: germline.
Comment: This sequence change falls in intron 9 of the COL3A1 gene. It does not directly change the encoded amino acid sequence of the COL3A1 protein. It affects a nucleotide within the consensus splice site. This variant is present in population databases (rs761475013, gnomAD 0.009%). This variant has not been reported in the literature in individuals affected with COL3A1-related conditions. ClinVar contains an entry for this variant (Variation ID: 2166453). Variants that disrupt the consensus splice site are a relatively common cause of aberrant splicing (PMID: 17576681, 9536098). Algorithms developed to predict the effect of sequence changes on RNA splicing suggest that this variant is not likely to affect RNA splicing. In summary, the available evidence is currently insufficient to determine the role of this variant in disease. Therefore, it has been classified as a Variant of Uncertain Significance.

Literature cited by the submitters: PubMed 17576681; PubMed 9536098.

NM_000090.4(COL3A1):c.745-3T>C

Gene: COL3A1 (collagen type III alpha 1 chain; plus strand). Cytogenetic location: 2q32.2.
Variant type: single nucleotide variant.
Coding change: c.745-3T>C on transcript NM_000090.4 (MANE Select); 3 bases into the intron before coding-DNA position 745, T replaced by C.
Molecular consequence: intron variant.
Genome position (GRCh38, 1-based): chr2:188,990,304, T>C. VCF-style: chr2-188990304-T-C. GRCh37 (hg19) VCF-style: chr2-189855030-T-C.
Identifiers: ClinVar variation 2166453 (VCV002166453.4), dbSNP rs761475013, ClinGen allele CA076860.